The following is an entry in ClinVar:

NM_001035.3(RYR2):c.4499G>A (p.Arg1500His)

Gene: RYR2 (ryanodine receptor 2; plus strand). Cytogenetic location: 1q43.
Variant type: single nucleotide variant.
Coding change: c.4499G>A on transcript NM_001035.3 (MANE Select); coding-DNA position 4499, G replaced by A.
Protein change: p.Arg1500His; replaces arginine 1500 with histidine.
Molecular consequence: missense variant.
Genome position (GRCh38, 1-based): chr1:237,595,560, G>A. VCF-style: chr1-237595560-G-A. GRCh37 (hg19) VCF-style: chr1-237758860-G-A.
Other names: c.4499G>A (NM_001035.2); short protein forms R1500H.
Identifiers: ClinVar variation 919125 (VCV000919125.10), dbSNP rs749719028, ClinGen allele CA086630.

ClinVar aggregate classification (germline): Uncertain significance. Review status: criteria provided, multiple submitters, no conflicts (2 of 4 stars). 4 submissions from 4 submitters: Uncertain significance (4). Last evaluated 2024-12-25.

Conditions:
Catecholaminergic polymorphic ventricular tachycardia (CVPT). Also called: Catecholamine-induced polymorphic ventricular tachycardia. Identifiers: Orphanet 3286, MedGen C5574922, MONDO:0017990.
Cardiovascular phenotype. Identifiers: MedGen CN230736.
Catecholaminergic polymorphic ventricular tachycardia 1. Also called: VENTRICULAR TACHYCARDIA, CATECHOLAMINERGIC POLYMORPHIC, 1, WITH OR WITHOUT ATRIAL DYSFUNCTION AND/OR DILATED CARDIOMYOPATHY; RYR2-Related Catecholaminergic Polymorphic Ventricular Tachycardia; VENTRICULAR TACHYCARDIA, STRESS-INDUCED POLYMORPHIC 1. Identifiers: Orphanet 3286, MedGen C1631597, MONDO:0011484, OMIM 604772.
Cardiomyopathy (CMYO). Also called: Cardiomyopathies. Identifiers: Orphanet 167848, MedGen C0878544, MONDO:0004994, HP:0001638. Inheritance: Various modes of inheritance.

Allele frequency attached by ClinVar (database versions not stated): TOPMed below 0.00001; gnomAD 0.00001; gnomAD exomes 0.00001; ExAC 0.00002.
gnomAD v4.1: 8 of 1,613,458 alleles (0.0005%); highest among the groups gnomAD compares: African/African-American, 0.0027%; no homozygotes.

Submissions (4):

Labcorp Genetics (formerly Invitae), Labcorp
Classification: Uncertain significance for Catecholaminergic polymorphic ventricular tachycardia 1. Last evaluated: 2024-12-25. Review status: criteria provided, single submitter. Criteria: Invitae Variant Classification Sherloc (09022015). Collection method: clinical testing. Allele origin: germline.
Comment: This sequence change replaces arginine, which is basic and polar, with histidine, which is basic and polar, at codon 1500 of the RYR2 protein (p.Arg1500His). This variant is present in population databases (rs749719028, gnomAD 0.007%). This variant has not been reported in the literature in individuals affected with RYR2-related conditions. ClinVar contains an entry for this variant (Variation ID: 919125). Invitae Evidence Modeling of protein sequence and biophysical properties (such as structural, functional, and spatial information, amino acid conservation, physicochemical variation, residue mobility, and thermodynamic stability) has been performed for this missense variant. However, the output from this modeling did not meet the statistical confidence thresholds required to predict the impact of this variant on RYR2 protein function. In summary, the available evidence is currently insufficient to determine the role of this variant in disease. Therefore, it has been classified as a Variant of Uncertain Significance.

Color Diagnostics, LLC DBA Color Health
Classification: Uncertain significance for Cardiomyopathy. Last evaluated: 2024-03-06. Review status: criteria provided, single submitter. Criteria: ACMG Guidelines, 2015. Collection method: clinical testing. Allele origin: germline.
Comment: This missense variant replaces arginine with histidine at codon 1500 of the RYR2 protein. Computational prediction suggests that this variant may have a deleterious impact on protein structure and function (internally defined REVEL score threshold >= 0.7, PMID: 27666373). To our knowledge, functional studies have not been reported for this variant. This variant has not been reported in individuals affected with RYR2-related disorders in the literature. This variant has been identified in 2/248470 chromosomes in the general population by the Genome Aggregation Database (gnomAD). The available evidence is insufficient to determine the role of this variant in disease conclusively. Therefore, this variant is classified as a Variant of Uncertain Significance.

All of Us Research Program, National Institutes of Health
Classification: Uncertain significance for Catecholaminergic polymorphic ventricular tachycardia. Last evaluated: 2023-05-04. Review status: criteria provided, single submitter. Criteria: ACMG Guidelines, 2015. Collection method: clinical testing. Allele origin: germline. Inheritance: Autosomal dominant inheritance. Observed: 1 variant allele, 1 heterozygote.
Comment: This missense variant replaces arginine with histidine at codon 1500 of the RYR2 protein. Computational prediction suggests that this variant may have deleterious impact on protein structure and function (internally defined REVEL score threshold >= 0.7, PMID: 27666373). Splice site prediction tools suggest that this variant may not impact RNA splicing. To our knowledge, functional studies have not been reported for this variant. This variant has not been reported in individuals affected with cardiovascular disorders in the literature. This variant has been identified in 2/248470 chromosomes in the general population by the Genome Aggregation Database (gnomAD). The available evidence is insufficient to determine the role of this variant in disease conclusively. Therefore, this variant is classified as a Variant of Uncertain Significance.

This study involves interpretation of variants in research participants for the purpose of population health screening. Participant phenotype was not available at the time of variant classification. Additional details can be found in publication PMID: 35346344, PMCID: PMC8962531

Ambry Genetics
Classification: Uncertain significance for Cardiovascular phenotype. Last evaluated: 2019-11-11. Review status: criteria provided, single submitter. Criteria: Ambry Variant Classification Scheme 2023. Collection method: clinical testing. Allele origin: germline.
Comment: The p.R1500H variant (also known as c.4499G>A), located in coding exon 34 of the RYR2 gene, results from a G to A substitution at nucleotide position 4499. The arginine at codon 1500 is replaced by histidine, an amino acid with highly similar properties. This amino acid position is highly conserved in available vertebrate species. In addition, this alteration is predicted to be deleterious by in silico analysis. Since supporting evidence is limited at this time, the clinical significance of this alteration remains unclear.